The following is an entry in ClinVar:

ClinVar aggregate classification (germline): Pathogenic. Review status: criteria provided, multiple submitters, no conflicts (2 of 4 stars). 2 submissions from 2 submitters: Pathogenic (2). Last evaluated 2024-11-16.

Conditions:
Baller-Gerold syndrome (BGS). Also called: CRANIOSYNOSTOSIS WITH RADIAL DEFECTS. Identifiers: Orphanet 1225, MedGen C0265308, MONDO:0009039, OMIM 218600.
RECQL4-related disorder. Also called: RECQL4-related disorders; RECQL4-related condition.

Allele frequency attached by ClinVar (database versions not stated): TOPMed below 0.00001; gnomAD 0.00001; gnomAD exomes 0.00001.
gnomAD v4.1: 9 of 1,598,448 alleles (0.00056%); highest among the groups gnomAD compares: East Asian, 0.0022%; no homozygotes.

Submissions (2):

Labcorp Genetics (formerly Invitae), Labcorp
Classification: Pathogenic for Baller-Gerold syndrome. Last evaluated: 2024-11-16. Review status: criteria provided, single submitter. Criteria: Invitae Variant Classification Sherloc (09022015). Collection method: clinical testing. Allele origin: germline.
Comment: This sequence change creates a premature translational stop signal (p.Gln800*) in the RECQL4 gene. It is expected to result in an absent or disrupted protein product. Loss-of-function variants in RECQL4 are known to be pathogenic (PMID: 12734318, 12952869). This variant is present in population databases (no rsID available, gnomAD 0.006%). This premature translational stop signal has been observed in individual(s) with Rothmund-Thomson syndrome (PMID: 18716613, 27247962). ClinVar contains an entry for this variant (Variation ID: 1459824). Algorithms developed to predict the effect of sequence changes on RNA splicing suggest that this variant may disrupt the consensus splice site. For these reasons, this variant has been classified as Pathogenic.

Blueprint Genetics
Classification: Pathogenic for RECQL4-related disorders. Last evaluated: 2023-08-09. Review status: criteria provided, single submitter. Criteria: ACMG Guidelines, 2015. Collection method: clinical testing. Allele origin: germline. Affected: yes. Observed: 1 variant allele.

Literature cited by the submitters: PubMed 12734318 (cited by Labcorp Genetics (formerly Invitae), Labcorp); PubMed 12952869 (cited by Labcorp Genetics (formerly Invitae), Labcorp); PubMed 18716613 (cited by Labcorp Genetics (formerly Invitae), Labcorp); PubMed 27247962 (cited by Labcorp Genetics (formerly Invitae), Labcorp).

NM_004260.4(RECQL4):c.2398C>T (p.Gln800Ter)

Gene: RECQL4 (RecQ like helicase 4; minus strand). Cytogenetic location: 8q24.3.
Variant type: single nucleotide variant.
Coding change: c.2398C>T on transcript NM_004260.4 (MANE Select); coding-DNA position 2398, C replaced by T.
Protein change: p.Gln800Ter; replaces glutamine 800 with a stop codon.
Molecular consequence: nonsense.
Genome position (GRCh38, 1-based): chr8:144,513,283, G>A on the plus strand (C>T on the coding strand, the complement: RECQL4 is on the minus strand). VCF-style: chr8-144513283-G-A. GRCh37 (hg19) VCF-style: chr8-145738666-G-A.
Other names: short protein forms Q800*.
Identifiers: ClinVar variation 1459824 (VCV001459824.9), dbSNP rs1206089987, ClinGen allele CA372678206.